The following is an entry in ClinVar:

NM_005321.3(H1-4):c.485C>T (p.Ala162Val)

Gene: H1-4 (H1.4 linker histone, cluster member; plus strand). Cytogenetic location: 6p22.2.
Variant type: single nucleotide variant.
Coding change: c.485C>T on transcript NM_005321.3 (MANE Select); coding-DNA position 485, C replaced by T.
Protein change: p.Ala162Val; replaces alanine 162 with valine.
Molecular consequence: missense variant.
Genome position (GRCh38, 1-based): chr6:26,156,875, C>T. VCF-style: chr6-26156875-C-T. GRCh37 (hg19) VCF-style: chr6-26157103-C-T.
Other names: short protein forms A162V.
Identifiers: ClinVar variation 2656306 (VCV002656306.24), dbSNP rs769159550, ClinGen allele CA3668157.

ClinVar aggregate classification (germline): Likely benign (1 of 4 stars; one submission).

Submission:

CeGaT Center for Human Genetics Tuebingen
Classification: Likely benign. Last evaluated: 2022-11-01. Review status: criteria provided, single submitter. Criteria: CeGaT Center For Human Genetics Tuebingen Variant Classification Criteria Version 2. Collection method: clinical testing. Allele origin: germline. Affected: yes. Observed: 1 variant allele.
Comment: H1-4: BP4